The following is an entry in ClinVar:

NM_001031689.3(PLAA):c.1339G>A (p.Val447Ile)

Gene: PLAA (phospholipase A2 activating protein; minus strand). Cytogenetic location: 9p21.2.
Variant type: single nucleotide variant.
Coding change: c.1339G>A on transcript NM_001031689.3 (MANE Select); coding-DNA position 1339, G replaced by A.
Protein change: p.Val447Ile; replaces valine 447 with isoleucine.
Molecular consequence: missense variant.
Genome position (GRCh38, 1-based): chr9:26,919,388, C>T on the plus strand (G>A on the coding strand, the complement: PLAA is on the minus strand). VCF-style: chr9-26919388-C-T. GRCh37 (hg19) VCF-style: chr9-26919386-C-T.
Other names: c.1339G>A, p.Val447Ile (NM_001321546.2); c.1339G>A (NM_001031689.2); short protein forms V447I.
Identifiers: ClinVar variation 1521942 (VCV001521942.9), dbSNP rs377399332, ClinGen allele CA191306774.

ClinVar aggregate classification (germline): Uncertain significance. Review status: criteria provided, multiple submitters, no conflicts (2 of 4 stars). 3 submissions from 3 submitters: Uncertain significance (3). Last evaluated 2025-08-23.

Conditions:
Inborn genetic diseases. Identifiers: MedGen C0950123, MeSH D030342.

Allele frequency attached by ClinVar (database versions not stated): TOPMed below 0.00001.
gnomAD v4.1: 3 of 1,613,154 alleles (0.00019%); highest among the groups gnomAD compares: East Asian, 0.0022%; no homozygotes.

Submissions (3):

Ambry Genetics
Classification: Uncertain significance for Inborn genetic diseases. Last evaluated: 2025-08-23. Review status: criteria provided, single submitter. Criteria: Ambry Variant Classification Scheme 2023. Collection method: clinical testing. Allele origin: germline.

Blueprint Genetics
Classification: Uncertain significance. Last evaluated: 2024-05-08. Review status: criteria provided, single submitter. Criteria: ACMG Guidelines, 2015. Collection method: clinical testing. Allele origin: germline.

Labcorp Genetics (formerly Invitae), Labcorp
Classification: Uncertain significance. Last evaluated: 2024-03-04. Review status: criteria provided, single submitter. Criteria: Invitae Variant Classification Sherloc (09022015). Collection method: clinical testing. Allele origin: germline.
Comment: This sequence change replaces valine, which is neutral and non-polar, with isoleucine, which is neutral and non-polar, at codon 447 of the PLAA protein (p.Val447Ile). This variant is not present in population databases (gnomAD no frequency). This variant has not been reported in the literature in individuals affected with PLAA-related conditions. ClinVar contains an entry for this variant (Variation ID: 1521942). Advanced modeling of protein sequence and biophysical properties (such as structural, functional, and spatial information, amino acid conservation, physicochemical variation, residue mobility, and thermodynamic stability) performed at Invitae indicates that this missense variant is not expected to disrupt PLAA protein function with a negative predictive value of 80%. In summary, the available evidence is currently insufficient to determine the role of this variant in disease. Therefore, it has been classified as a Variant of Uncertain Significance.